The following is an entry in ClinVar:

NM_005560.6(LAMA5):c.9684G>C (p.Arg3228=)

Gene: LAMA5 (laminin subunit alpha 5; minus strand). Cytogenetic location: 20q13.33.
Variant type: single nucleotide variant.
Coding change: c.9684G>C on transcript NM_005560.6 (MANE Select); coding-DNA position 9684, G replaced by C.
Protein change: p.Arg3228=; no amino-acid change (arginine 3228 retained).
Molecular consequence: synonymous variant.
Genome position (GRCh38, 1-based): chr20:62,311,736, C>G on the plus strand (G>C on the coding strand, the complement: LAMA5 is on the minus strand). VCF-style: chr20-62311736-C-G. GRCh37 (hg19) VCF-style: chr20-60886792-C-G.
Other names: c.9684G>C (NM_005560.4).
Identifiers: ClinVar variation 2652476 (VCV002652476.27), dbSNP rs541141300, ClinGen allele CA9940097.

ClinVar aggregate classification (germline): Likely benign. Review status: criteria provided, multiple submitters, no conflicts (2 of 4 stars). 4 submissions from 4 submitters: Likely benign (3). 1 of the submissions does not count toward it. Last evaluated 2025-12-10.

Conditions:
LAMA5-related disorder. Also called: LAMA5-Related Disorders; LAMA5-related condition.

Allele frequency attached by ClinVar (database versions not stated): gnomAD exomes 0.00003; gnomAD 0.00012; TOPMed 0.00018; ExAC 0.00026; 1000 Genomes Project 30x 0.00047; 1000 Genomes Project 0.00080.
gnomAD v4.1: 65 of 1,560,994 alleles (0.0042%); highest among the groups gnomAD compares: Middle Eastern, 0.052%; no homozygotes.

Submissions (4):

Labcorp Genetics (formerly Invitae), Labcorp
Classification: Likely benign. Last evaluated: 2025-12-10. Review status: criteria provided, single submitter. Criteria: Invitae Variant Classification Sherloc (09022015). Collection method: clinical testing. Allele origin: germline.

Blueprint Genetics
Classification: Likely benign. Last evaluated: 2023-12-18. Review status: criteria provided, single submitter. Criteria: ACMG Guidelines, 2015. Collection method: clinical testing. Allele origin: germline.

CeGaT Center for Human Genetics Tuebingen
Classification: Likely benign. Last evaluated: 2023-04-01. Review status: criteria provided, single submitter. Criteria: CeGaT Center For Human Genetics Tuebingen Variant Classification Criteria Version 2. Collection method: clinical testing. Allele origin: germline. Affected: yes. Observed: 1 variant allele.
Comment: LAMA5: BP4, BP7

PreventionGenetics, part of Exact Sciences
Classification: Likely benign for LAMA5-related condition. Last evaluated: 2021-05-11. Review status: no assertion criteria provided. Collection method: clinical testing. Allele origin: germline. Not counted in ClinVar's aggregate classification.
Comment: This variant is classified as likely benign based on ACMG/AMP sequence variant interpretation guidelines (Richards et al. 2015 PMID: 25741868, with internal and published modifications).